The following is an entry in ClinVar:

ClinVar aggregate classification (germline): Uncertain significance. Review status: criteria provided, multiple submitters, no conflicts (2 of 4 stars). 3 submissions from 3 submitters: Uncertain significance (3). Last evaluated 2026-06-23.

Conditions:
Hereditary cancer-predisposing syndrome. Also called: Hereditary neoplastic syndrome; Hereditary Cancer Syndrome; Neoplastic Syndromes, Hereditary; Tumor predisposition. Identifiers: Orphanet 140162, MedGen C0027672, MeSH D009386, MONDO:0015356.
Gastrointestinal stromal tumor. Also called: Gastrointestinal stroma tumor; Gastrointestinal stromal tumor, somatic. Identifiers: Orphanet 44890, MedGen C0238198, MeSH D046152, MONDO:0011719, OMIM 606764, HP:0100723.
PDGFRA-related disorder. Also called: PDGFRA-related condition.

Allele frequency attached by ClinVar (database versions not stated): gnomAD exomes below 0.00001; ExAC 0.00001; gnomAD 0.00001.
gnomAD v4.1: 6 of 1,613,972 alleles (0.00037%); highest among the groups gnomAD compares: Non-Finnish European, 0.00051%; no homozygotes.

Submissions (3):

PreventionGenetics, part of Exact Sciences
Classification: Uncertain significance for PDGFRA-related condition. Last evaluated: 2026-06-23. Review status: criteria provided, single submitter. Criteria: ACMG Guidelines, 2015. Collection method: clinical testing. Allele origin: germline.
Comment: The PDGFRA c.257A>C variant is predicted to result in the amino acid substitution p.Glu86Ala. To our knowledge, this variant has not been reported in the literature. This variant is reported in 0.00088% of alleles in individuals of European (Non-Finnish) descent in gnomAD and is classified as a variant of uncertain significance in ClinVar (Variation ID: 528496). At this time, the clinical significance of this variant is uncertain due to the absence of conclusive functional and genetic evidence.

Labcorp Genetics (formerly Invitae), Labcorp
Classification: Uncertain significance for Gastrointestinal stromal tumor. Last evaluated: 2025-12-15. Review status: criteria provided, single submitter. Criteria: Invitae Variant Classification Sherloc (09022015). Collection method: clinical testing. Allele origin: germline.
Comment: This sequence change replaces glutamic acid, which is acidic and polar, with alanine, which is neutral and non-polar, at codon 86 of the PDGFRA protein (p.Glu86Ala). This variant is present in population databases (rs773726970, gnomAD 0.0009%). This variant has not been reported in the literature in individuals affected with PDGFRA-related conditions. ClinVar contains an entry for this variant (Variation ID: 528496). Invitae Evidence Modeling of protein sequence and biophysical properties (such as structural, functional, and spatial information, amino acid conservation, physicochemical variation, residue mobility, and thermodynamic stability) indicates that this missense variant is not expected to disrupt PDGFRA protein function with a negative predictive value of 80%. In summary, the available evidence is currently insufficient to determine the role of this variant in disease. Therefore, it has been classified as a Variant of Uncertain Significance.

Ambry Genetics
Classification: Uncertain significance for Hereditary cancer-predisposing syndrome. Last evaluated: 2024-04-22. Review status: criteria provided, single submitter. Criteria: Ambry Variant Classification Scheme 2023. Collection method: clinical testing. Allele origin: germline.
Comment: The p.E86A variant (also known as c.257A>C), located in coding exon 2 of the PDGFRA gene, results from an A to C substitution at nucleotide position 257. The glutamic acid at codon 86 is replaced by alanine, an amino acid with dissimilar properties. This amino acid position is conserved. In addition, this alteration is predicted to be tolerated by in silico analysis. Since supporting evidence is limited at this time, the clinical significance of this alteration remains unclear.

NM_006206.6(PDGFRA):c.257A>C (p.Glu86Ala)

Gene: PDGFRA (platelet derived growth factor receptor alpha; plus strand). Cytogenetic location: 4q12.
Variant type: single nucleotide variant.
Coding change: c.257A>C on transcript NM_006206.6 (MANE Select); coding-DNA position 257, A replaced by C.
Protein change: p.Glu86Ala; replaces glutamic acid 86 with alanine.
Molecular consequence: missense variant.
Genome position (GRCh38, 1-based): chr4:54,261,302, A>C. VCF-style: chr4-54261302-A-C. GRCh37 (hg19) VCF-style: chr4-55127469-A-C.
Other names: c.257A>C (NM_006206.5); c.257A>C, p.Glu86Ala (NM_001347827.2, NM_001347829.2); c.332A>C, p.Glu111Ala (NM_001347828.2); c.296A>C, p.Glu99Ala (NM_001347830.2); short protein forms E86A, E99A, E111A.
Identifiers: ClinVar variation 528496 (VCV000528496.14), dbSNP rs773726970, ClinGen allele CA2922254.